The following is an entry in ClinVar:

NM_052865.4(MGME1):c.726G>T (p.Glu242Asp)

Gene: MGME1 (mitochondrial genome maintenance exonuclease 1; plus strand). Cytogenetic location: 20p11.23.
Variant type: single nucleotide variant.
Coding change: c.726G>T on transcript NM_052865.4 (MANE Select); coding-DNA position 726, G replaced by T.
Protein change: p.Glu242Asp; replaces glutamic acid 242 with aspartic acid.
Molecular consequence: missense variant. On other transcripts: intron variant (1).
Genome position (GRCh38, 1-based): chr20:17,975,898, G>T. VCF-style: chr20-17975898-G-T. GRCh37 (hg19) VCF-style: chr20-17956541-G-T.
Other names: c.771G>T, p.Glu257Asp (NM_001310338.2); c.486G>T, p.Glu162Asp (NM_001363738.2); c.511+5528G>T (NM_001310339.2); short protein forms E162D, E242D, E257D.
Identifiers: ClinVar variation 1938908 (VCV001938908.4), dbSNP rs762735148, ClinGen allele CA9775004.

ClinVar aggregate classification (germline): Uncertain significance (1 of 4 stars; one submission).

Allele frequency attached by ClinVar (database versions not stated): gnomAD exomes 0.00001; ExAC 0.00003.

Submission:

Labcorp Genetics (formerly Invitae), Labcorp
Classification: Uncertain significance. Last evaluated: 2023-12-21. Review status: criteria provided, single submitter. Criteria: Invitae Variant Classification Sherloc (09022015). Collection method: clinical testing. Allele origin: germline.
Comment: This sequence change replaces glutamic acid, which is acidic and polar, with aspartic acid, which is acidic and polar, at codon 242 of the MGME1 protein (p.Glu242Asp). This variant is present in population databases (rs762735148, gnomAD 0.02%). This variant has not been reported in the literature in individuals affected with MGME1-related conditions. ClinVar contains an entry for this variant (Variation ID: 1938908). Advanced modeling of protein sequence and biophysical properties (such as structural, functional, and spatial information, amino acid conservation, physicochemical variation, residue mobility, and thermodynamic stability) performed at Invitae indicates that this missense variant is not expected to disrupt MGME1 protein function with a negative predictive value of 80%. In summary, the available evidence is currently insufficient to determine the role of this variant in disease. Therefore, it has been classified as a Variant of Uncertain Significance.